The following is an entry in ClinVar:

ClinVar aggregate classification (germline): Uncertain significance (1 of 4 stars; one submission).

Conditions:
Leukocyte adhesion deficiency 1 (LAD1). Also called: LEUKOCYTE ADHESION DEFICIENCY, TYPE I; LAD 1; Lymphocyte function-associated antigen 1 immunodeficiency; LFA 1 immunodeficiency. Identifiers: Orphanet 2968, Orphanet 99842, MedGen C0398738, MONDO:0007293, OMIM 116920.

Submission:

Labcorp Genetics (formerly Invitae), Labcorp
Classification: Uncertain significance for Leukocyte adhesion deficiency 1. Last evaluated: 2021-09-19. Review status: criteria provided, single submitter. Criteria: Invitae Variant Classification Sherloc (09022015). Collection method: clinical testing. Allele origin: germline.
Comment: This sequence change replaces proline with threonine at codon 57 of the ITGB2 protein (p.Pro57Thr). The proline residue is highly conserved and there is a small physicochemical difference between proline and threonine. This variant is not present in population databases (ExAC no frequency). This variant has not been reported in the literature in individuals affected with ITGB2-related conditions. Algorithms developed to predict the effect of missense changes on protein structure and function (SIFT, PolyPhen-2, Align-GVGD) all suggest that this variant is likely to be disruptive. In summary, the available evidence is currently insufficient to determine the role of this variant in disease. Therefore, it has been classified as a Variant of Uncertain Significance.

NM_000211.5(ITGB2):c.169C>A (p.Pro57Thr)

Gene: ITGB2 (integrin subunit beta 2; minus strand). Cytogenetic location: 21q22.3.
Variant type: single nucleotide variant.
Coding change: c.169C>A on transcript NM_000211.5 (MANE Select); coding-DNA position 169, C replaced by A.
Protein change: p.Pro57Thr; replaces proline 57 with threonine.
Molecular consequence: missense variant. On other transcripts: 5 prime UTR variant (1).
Genome position (GRCh38, 1-based): chr21:44,907,074, G>T on the plus strand (C>A on the coding strand, the complement: ITGB2 is on the minus strand). VCF-style: chr21-44907074-G-T. GRCh37 (hg19) VCF-style: chr21-46326989-G-T.
Other names: c.169C>A, p.Pro57Thr (NM_001127491.3); c.-39C>A (NM_001303238.2); short protein forms P57T.
Identifiers: ClinVar variation 1491753 (VCV001491753.6), dbSNP rs1401782366, ClinGen allele CA410479945.
Genomic context (GRCh38, chr21:44,907,074, plus strand): 5'-CGTCAGCCGCACAGCCCCTCATGAGCAGCTGTGGCCGGGTGTCGCAGCGAATGGAGTCAG[G>T]ATCCCCCGGCCCTGTGAAGTTCTGGGGAGGGGGAGTCAGGGGTCAGGAGGGGGCCACACT-3'
Protein context (NP_000202.3, residues 47-67): QKLNFTGPGD[Pro57Thr]DSIRCDTRPQ